The following is an entry in ClinVar:

NM_138459.5(NUS1):c.217C>T (p.Arg73Cys)

Gene: NUS1 (NUS1 dehydrodolichyl diphosphate synthase subunit; plus strand). Cytogenetic location: 6q22.1.
Variant type: single nucleotide variant.
Coding change: c.217C>T on transcript NM_138459.5 (MANE Select); coding-DNA position 217, C replaced by T.
Protein change: p.Arg73Cys; replaces arginine 73 with cysteine.
Molecular consequence: missense variant.
Genome position (GRCh38, 1-based): chr6:117,675,887, C>T. VCF-style: chr6-117675887-C-T. GRCh37 (hg19) VCF-style: chr6-117997050-C-T.
Other names: short protein forms R73C.
Identifiers: ClinVar variation 3677724 (VCV003677724.2).

ClinVar aggregate classification (germline): Uncertain significance (1 of 4 stars; one submission).

Conditions:
Congenital disorder of glycosylation, type Iaa. Also called: Congenital disorder of glycosylation, type 1aa. Identifiers: MedGen C4310727, MONDO:0014904, OMIM 617082.

gnomAD v4.1: 8 of 1,534,892 alleles (0.00052%); highest among the groups gnomAD compares: African/African-American, 0.0014%; no homozygotes.

Submission:

Labcorp Genetics (formerly Invitae), Labcorp
Classification: Uncertain significance for Congenital disorder of glycosylation, type Iaa. Last evaluated: 2024-09-03. Review status: criteria provided, single submitter. Criteria: Invitae Variant Classification Sherloc (09022015). Collection method: clinical testing. Allele origin: germline.
Comment: This sequence change replaces arginine, which is basic and polar, with cysteine, which is neutral and slightly polar, at codon 73 of the NUS1 protein (p.Arg73Cys). This variant is present in population databases (no rsID available, gnomAD 0.006%). This variant has not been reported in the literature in individuals affected with NUS1-related conditions. An algorithm developed to predict the effect of missense changes on protein structure and function (PolyPhen-2) suggests that this variant is likely to be tolerated. In summary, the available evidence is currently insufficient to determine the role of this variant in disease. Therefore, it has been classified as a Variant of Uncertain Significance.